The following is an entry in ClinVar:

ClinVar aggregate classification (germline): Uncertain significance (1 of 4 stars; one submission).

Submission:

Labcorp Genetics (formerly Invitae), Labcorp
Classification: Uncertain significance. Last evaluated: 2024-10-23. Review status: criteria provided, single submitter. Criteria: Invitae Variant Classification Sherloc (09022015). Collection method: clinical testing. Allele origin: germline.
Comment: This variant, c.1019_1024dup, results in the insertion of 2 amino acid(s) of the JAK2 protein (p.Val341_Val342insGlyVal), but otherwise preserves the integrity of the reading frame. This variant is not present in population databases (gnomAD no frequency). This variant has not been reported in the literature in individuals affected with JAK2-related conditions. In summary, the available evidence is currently insufficient to determine the role of this variant in disease. Therefore, it has been classified as a Variant of Uncertain Significance.

NM_004972.4(JAK2):c.1019_1024dup (p.Val341_Val342insGlyVal)

Genes: INSL6 (insulin like 6; minus strand), JAK2 (Janus kinase 2; plus strand). Cytogenetic location: 9p24.1.
Variant type: Duplication.
Coding change: c.1019_1024dup on transcript NM_004972.4 (MANE Select); coding-DNA positions 1019 to 1024, 6 bases duplicated (GAGTTG; older notation c.1019_1024dupGAGTTG).
Protein change: p.Val341_Val342insGlyVal.
Molecular consequence: 5 prime UTR variant (on NM_001322198.2). On other transcripts: non-coding transcript variant (2).
Genome position (GRCh38, 1-based): chr9:5,055,751-5,055,756, GAGTTG duplicated. VCF-style (leftmost placement, unchanged base first): chr9-5055750-C-CGAGTTG. GRCh37 (hg19) VCF-style: chr9-5055750-C-CGAGTTG.
Other names: c.1019_1024dup, p.Val341_Val342insGlyVal (NM_001322194.2, NM_001322195.2, NM_001322196.2); c.-197_-192dup (NM_001322198.2, NM_001322199.2); c.572_577dup, p.Val192_Val193insGlyVal (NM_001322204.2).
Identifiers: ClinVar variation 3687302 (VCV003687302.2).